The following is an entry in ClinVar:

ClinVar aggregate classification (germline): Uncertain significance. Review status: criteria provided, multiple submitters, no conflicts (2 of 4 stars). 5 submissions from 5 submitters: Uncertain significance (4). 1 of the submissions does not count toward it. Last evaluated 2025-02-11.

Conditions:
Inborn genetic diseases. Identifiers: MedGen C0950123, MeSH D030342.

Allele frequency attached by ClinVar (database versions not stated): ExAC 0.00003; gnomAD exomes 0.00002 and 0.00004; TOPMed below 0.00001; gnomAD 0.00001; ESP Exome Variant Server 0.00008.
gnomAD v4.1: 33 of 1,608,930 alleles (0.0021%); highest among the groups gnomAD compares: Middle Eastern, 0.017%; no homozygotes.

Submissions (5):

Labcorp Genetics (formerly Invitae), Labcorp
Classification: Uncertain significance. Last evaluated: 2025-02-11. Review status: criteria provided, single submitter. Criteria: Invitae Variant Classification Sherloc (09022015). Collection method: clinical testing. Allele origin: germline.
Comment: This sequence change replaces valine, which is neutral and non-polar, with methionine, which is neutral and non-polar, at codon 1221 of the ANKRD26 protein (p.Val1221Met). This variant is present in population databases (rs376882515, gnomAD 0.01%). This variant has not been reported in the literature in individuals affected with ANKRD26-related conditions. ClinVar contains an entry for this variant (Variation ID: 1050113). An algorithm developed to predict the effect of missense changes on protein structure and function outputs the following: PolyPhen-2: "Benign". The methionine amino acid residue is found in multiple mammalian species, which suggests that this missense change does not adversely affect protein function. In summary, the available evidence is currently insufficient to determine the role of this variant in disease. Therefore, it has been classified as a Variant of Uncertain Significance.

Ambry Genetics
Classification: Uncertain significance for Inborn genetic diseases. Last evaluated: 2024-11-28. Review status: criteria provided, single submitter. Criteria: Ambry Variant Classification Scheme 2023. Collection method: clinical testing. Allele origin: germline.
Comment: The p.V1221M variant (also known as c.3661G>A), located in coding exon 25 of the ANKRD26 gene, results from a G to A substitution at nucleotide position 3661. The valine at codon 1221 is replaced by methionine, an amino acid with highly similar properties. This amino acid position is conserved. In addition, this alteration is predicted to be tolerated by in silico analysis. Based on the available evidence, the clinical significance of this variant remains unclear.

GeneDx
Classification: Uncertain significance. Last evaluated: 2023-01-13. Review status: criteria provided, single submitter. Criteria: GeneDx Variant Classification Process June 2021. Collection method: clinical testing. Allele origin: germline. Affected: yes.
Comment: In silico analysis supports that this missense variant does not alter protein structure/function; Has not been previously published as pathogenic or benign to our knowledge

Genetic Services Laboratory, University of Chicago
Classification: Uncertain significance. Last evaluated: 2017-11-01. Review status: criteria provided, single submitter. Criteria: ACMG Guidelines, 2015. Collection method: clinical testing. Allele origin: germline. Affected: no.

Department of Pathology and Laboratory Medicine, Sinai Health System
Classification: Uncertain significance. Review status: no assertion criteria provided. Collection method: clinical testing. Allele origin: unknown. Affected: yes. Study: The Canadian Open Genetics Repository (COGR). Not counted in ClinVar's aggregate classification.
Comment: The ANKRD26 p.Val1220Met variant was not identified in the literature nor was it identified in ClinVar or Cosmic. The variant was identified in dbSNP (ID: rs376882515) and in control databases in 12 of 266042 chromosomes at a frequency of 0.00004511 (Genome Aggregation Database March 6, 2019, v2.1.1). The variant was observed in the following populations: South Asian in 4 of 30478 chromosomes (freq: 0.000131), European (non-Finnish) in 7 of 117520 chromosomes (freq: 0.00006) and Latino in 1 of 34992 chromosomes (freq: 0.000029), but was not observed in the African, Ashkenazi Jewish, East Asian, European (Finnish), or Other populations. The p.Val1220 residue is not conserved in mammals and computational analyses (PolyPhen-2, SIFT, AlignGVGD, BLOSUM, MutationTaster) do not suggest a high likelihood of impact to the protein; however this information is not predictive enough to rule out pathogenicity. The variant occurs outside of the splicing consensus sequence and in silico or computational prediction software programs (SpliceSiteFinder, MaxEntScan, NNSPLICE, GeneSplicer) do not predict a difference in splicing. In summary, based on the above information the clinical significance of this variant cannot be determined with certainty at this time. This variant is classified as a variant of uncertain significance.

NM_014915.3(ANKRD26):c.3661G>A (p.Val1221Met)

Gene: ANKRD26 (ankyrin repeat domain 26; minus strand). Cytogenetic location: 10p12.1.
Variant type: single nucleotide variant.
Coding change: c.3661G>A on transcript NM_014915.3 (MANE Select); coding-DNA position 3661, G replaced by A.
Protein change: p.Val1221Met; replaces valine 1221 with methionine.
Molecular consequence: missense variant.
Genome position (GRCh38, 1-based): chr10:27,033,371, C>T on the plus strand (G>A on the coding strand, the complement: ANKRD26 is on the minus strand). VCF-style: chr10-27033371-C-T. GRCh37 (hg19) VCF-style: chr10-27322300-C-T.
Other names: c.3658G>A, p.Val1220Met (NM_001256053.2); short protein forms V1220M, V1221M.
Identifiers: ClinVar variation 1050113 (VCV001050113.11), dbSNP rs376882515, ClinGen allele CA5447988.